The following is an entry in ClinVar:

NM_006118.4(HAX1):c.93_95del (p.Glu31del)

Gene: HAX1 (HCLS1 associated protein X-1; plus strand). Cytogenetic location: 1q21.3.
Variant type: Deletion.
Coding change: c.93_95del on transcript NM_006118.4 (MANE Select); coding-DNA positions 93 to 95, 3 bases deleted (AGA; older notation c.93_95delAGA).
Protein change: p.Glu31del; deletes glutamic acid 31.
Molecular consequence: inframe deletion. On other transcripts: intron variant (1).
Genome position (GRCh38, 1-based): chr1:154,273,375-154,273,377, AGA deleted; deleting any 3 consecutive bases within chr1:154,273,373-154,273,377 gives the same sequence; the c. name uses the placement nearest the transcript's 3' end. VCF-style (leftmost placement, unchanged base first): chr1-154273372-TGAA-T. GRCh37 (hg19) VCF-style: chr1-154245848-TGAA-T.
Other names: c.54-105_54-103del (NM_001018837.2); short protein forms E31del.
Identifiers: ClinVar variation 1444066 (VCV001444066.5), dbSNP rs773579418, ClinGen allele CA1127245.

ClinVar aggregate classification (germline): Uncertain significance (1 of 4 stars; one submission).

Conditions:
Kostmann syndrome (SCN3). Also called: KOSTMANN DISEASE; Autosomal recessive severe congenital neutropenia type 3. Identifiers: Orphanet 99749, MedGen C5235141, MONDO:0012548, OMIM 610738.

Submission:

Labcorp Genetics (formerly Invitae), Labcorp
Classification: Uncertain significance for Kostmann syndrome. Last evaluated: 2021-08-28. Review status: criteria provided, single submitter. Criteria: Invitae Variant Classification Sherloc (09022015). Collection method: clinical testing. Allele origin: germline.
Comment: This variant, c.93_95del, results in the deletion of 1 amino acid(s) of the HAX1 protein (p.Glu31del), but otherwise preserves the integrity of the reading frame. This variant is present in population databases (rs773579418, ExAC 0.003%). This variant has not been reported in the literature in individuals affected with HAX1-related conditions. Experimental studies and prediction algorithms are not available or were not evaluated, and the functional significance of this variant is currently unknown. In summary, the available evidence is currently insufficient to determine the role of this variant in disease. Therefore, it has been classified as a Variant of Uncertain Significance.